The following is an entry in ClinVar:

ClinVar aggregate classification (germline): Pathogenic (1 of 4 stars; one submission).

Submission:

ISCA site 17
Classification: Pathogenic. Last evaluated: 2011-08-12. Review status: criteria provided, single submitter. Criteria: Kaminsky et al. (Genet Med. 2011). Collection method: clinical testing. Allele origin: unknown. Affected: yes. Observed: 1 variant allele.
Comment: Copy number variation identified through the course of routine clinical cytogenomic testing in postnatal populations. Clinical assertions have been curated as described in Kaminsky et al. 2011.

GRCh38/hg38 13q34(chr13:111439396-114327173)x3

Genes: ADPRHL1 (ADP-ribosylhydrolase like 1; minus strand), ATP11A (ATPase phospholipid transporting 11A; plus strand), ATP11A-AS1 (ATP11A antisense RNA 1; minus strand), ATP11AUN (ATP11A upstream neighbor lncRNA; plus strand), ATP4B (ATPase H+/K+ transporting subunit beta; minus strand) and 139 more. Cytogenetic location: 13q34.
Variant type: copy number gain.
Change: copy number 3 (three copies instead of two) of chr13:111,439,396-114,327,173 (2.89 Mb, GRCh38 coordinates, 1-based), cytogenetic band 13q34.
Identifiers: ClinVar variation 59927 (VCV000059927.1).